The following is an entry in ClinVar:

ClinVar aggregate classification (germline): Uncertain significance (1 of 4 stars; one submission).

Allele frequency attached by ClinVar (database versions not stated): gnomAD exomes below 0.00001.
gnomAD v4.1: 2 of 1,609,512 alleles (0.00012%); highest among the groups gnomAD compares: Admixed American, 0.0034%; no homozygotes.

Submission:

Labcorp Genetics (formerly Invitae), Labcorp
Classification: Uncertain significance. Last evaluated: 2023-07-25. Review status: criteria provided, single submitter. Criteria: Invitae Variant Classification Sherloc (09022015). Collection method: clinical testing. Allele origin: germline.
Comment: In summary, the available evidence is currently insufficient to determine the role of this variant in disease. Therefore, it has been classified as a Variant of Uncertain Significance. An algorithm developed to predict the effect of missense changes on protein structure and function (PolyPhen-2) suggests that this variant is likely to be disruptive. This variant has not been reported in the literature in individuals affected with DMXL2-related conditions. This variant is present in population databases (no rsID available, gnomAD 0.006%). This sequence change replaces alanine, which is neutral and non-polar, with serine, which is neutral and polar, at codon 784 of the DMXL2 protein (p.Ala784Ser).

NM_001378457.1(DMXL2):c.2350G>T (p.Ala784Ser)

Gene: DMXL2 (Dmx like 2; minus strand). Cytogenetic location: 15q21.2.
Variant type: single nucleotide variant.
Coding change: c.2350G>T on transcript NM_001378457.1 (MANE Select); coding-DNA position 2350, G replaced by T.
Protein change: p.Ala784Ser; replaces alanine 784 with serine.
Molecular consequence: missense variant. On other transcripts: non-coding transcript variant (2).
Genome position (GRCh38, 1-based): chr15:51,535,749, C>A on the plus strand (G>T on the coding strand, the complement: DMXL2 is on the minus strand). VCF-style: chr15-51535749-C-A. GRCh37 (hg19) VCF-style: chr15-51827946-C-A.
Other names: c.2350G>T, p.Ala784Ser (NM_001174116.3, NM_001174117.3, NM_001378458.1 and 6 more transcripts); c.2110G>T, p.Ala704Ser (NM_001378464.1); short protein forms A704S, A784S.
Identifiers: ClinVar variation 2746465 (VCV002746465.3), dbSNP rs1208868128, ClinGen allele CA392442079.